The following is an entry in ClinVar:

NM_177550.5(SLC13A5):c.1156+34G>A

Gene: SLC13A5 (solute carrier family 13 member 5; minus strand). Cytogenetic location: 17p13.1.
Variant type: single nucleotide variant.
Coding change: c.1156+34G>A on transcript NM_177550.5 (MANE Select); 34 bases into the intron after coding-DNA position 1156, G replaced by A.
Molecular consequence: intron variant.
Genome position (GRCh38, 1-based): chr17:6,694,063, C>T on the plus strand (G>A on the coding strand, the complement: SLC13A5 is on the minus strand). VCF-style: chr17-6694063-C-T. GRCh37 (hg19) VCF-style: chr17-6597382-C-T.
Other names: c.1027+34G>A (NM_001284510.2); c.1105+34G>A (NM_001284509.2); c.1156+34G>A (NM_001143838.3).
Identifiers: ClinVar variation 677514 (VCV000677514.1), dbSNP rs138567784, ClinGen allele CA8331495.

ClinVar aggregate classification (germline): Likely benign (1 of 4 stars; one submission).

Allele frequency attached by ClinVar (database versions not stated): TOPMed 0.00213; 1000 Genomes Project 30x 0.00219; 1000 Genomes Project 0.00220; ESP Exome Variant Server 0.00338; gnomAD exomes 0.00436 and 0.00449; ExAC 0.00437; gnomAD 0.00452 and 0.00458.
gnomAD v4.1: 6,673 of 1,490,438 alleles (0.45%); highest among the groups gnomAD compares: Non-Finnish European, 0.44%; 30 homozygotes.

Submission:

GeneDx
Classification: Likely benign. Last evaluated: 2018-06-16. Review status: criteria provided, single submitter. Criteria: GeneDx Variant Classification (06012015). Collection method: clinical testing. Allele origin: germline. Affected: yes.
Comment: This variant is considered likely benign or benign based on one or more of the following criteria: it is a conservative change, it occurs at a poorly conserved position in the protein, it is predicted to be benign by multiple in silico algorithms, and/or has population frequency not consistent with disease.